The following is an entry in ClinVar:

ClinVar aggregate classification (germline): Uncertain significance (1 of 4 stars; one submission).

Submission:

GeneDx
Classification: Uncertain significance. Last evaluated: 2024-06-03. Review status: criteria provided, single submitter. Criteria: GeneDx Variant Classification Process June 2021. Collection method: clinical testing. Allele origin: germline. Affected: yes.
Comment: Not observed at significant frequency in large population cohorts (gnomAD); In silico analysis supports that this missense variant has a deleterious effect on protein structure/function; Has not been previously published as pathogenic or benign to our knowledge

NM_002739.5(PRKCG):c.1745C>A (p.Ala582Asp)

Gene: PRKCG (protein kinase C gamma; plus strand). Cytogenetic location: 19q13.42.
Variant type: single nucleotide variant.
Coding change: c.1745C>A on transcript NM_002739.5 (MANE Select); coding-DNA position 1745, C replaced by A.
Protein change: p.Ala582Asp; replaces alanine 582 with aspartic acid.
Molecular consequence: missense variant.
Genome position (GRCh38, 1-based): chr19:53,904,723, C>A. VCF-style: chr19-53904723-C-A. GRCh37 (hg19) VCF-style: chr19-54407977-C-A.
Other names: c.1745C>A, p.Ala582Asp (NM_001316329.2); short protein forms A582D.
Identifiers: ClinVar variation 3384635 (VCV003384635.1).
Genomic context (GRCh38, chr19:53,904,723, plus strand): 5'-AGCTGTTTCAGGCCATCATGGAACAAACTGTCACCTACCCCAAGTCGCTTTCCCGGGAAG[C>A]CGTGGCCATCTGCAAGGGGGTGAGAGCCCCCTGACTCCCAGCTTCTCCAGGCTCACAACC-3'
Protein context (NP_002730.1, residues 572-592): VTYPKSLSRE[Ala582Asp]VAICKGFLTK